The following is an entry in ClinVar:

NM_002755.4(MAP2K1):c.439-19C>A

Gene: MAP2K1 (mitogen-activated protein kinase kinase 1; plus strand). Cytogenetic location: 15q22.31.
Variant type: single nucleotide variant.
Coding change: c.439-19C>A on transcript NM_002755.4 (MANE Select); 19 bases into the intron before coding-DNA position 439, C replaced by A.
Molecular consequence: intron variant.
Genome position (GRCh38, 1-based): chr15:66,443,261, C>A. VCF-style: chr15-66443261-C-A. GRCh37 (hg19) VCF-style: chr15-66735599-C-A.
Identifiers: ClinVar variation 383502 (VCV000383502.11), dbSNP rs766207567, ClinGen allele CA7623934.

ClinVar aggregate classification (germline): Benign/Likely benign. Review status: criteria provided, multiple submitters, no conflicts (2 of 4 stars). 5 submissions from 5 submitters: Benign (1); Likely benign (4). Last evaluated 2026-01-17.

Conditions:
RASopathy. Also called: rasopathies; Noonan spectrum disorder. Identifiers: Orphanet 536391, MedGen C5555857, MONDO:0021060.

Allele frequency attached by ClinVar (database versions not stated): ExAC 0.00009; gnomAD 0.00009 and 0.00010; gnomAD exomes 0.00009; TOPMed 0.00009.
gnomAD v4.1: 99 of 1,496,762 alleles (0.0066%); highest among the groups gnomAD compares: Middle Eastern, 0.14%; no homozygotes.

Submissions (5):

Labcorp Genetics (formerly Invitae), Labcorp
Classification: Likely benign for RASopathy. Last evaluated: 2026-01-17. Review status: criteria provided, single submitter. Criteria: Invitae Variant Classification Sherloc (09022015). Collection method: clinical testing. Allele origin: germline.

Blueprint Genetics
Classification: Likely benign. Last evaluated: 2024-08-30. Review status: criteria provided, single submitter. Criteria: ACMG Guidelines, 2015. Collection method: clinical testing. Allele origin: germline.

Women's Health and Genetics/Laboratory Corporation of America, LabCorp
Classification: Benign. Last evaluated: 2020-05-18. Review status: criteria provided, single submitter. Criteria: LabCorp Variant Classification Summary - May 2015. Collection method: clinical testing. Allele origin: germline.
Comment: Variant summary: MAP2K1 c.439-19C>A alters a non-conserved nucleotide located close to a canonical splice site and therefore could affect mRNA splicing, leading to a significantly altered protein sequence. Several computational tools predict a significant impact on normal splicing: Four predict that the variant creates or strengthens a cryptic intronic 5' donor site. However, these predictions have yet to be confirmed by functional studies. The variant allele was found at a frequency of 8.8e-05 in 251366 control chromosomes, predominantly at a frequency of 0.00016 within the Non-Finnish European subpopulation in the gnomAD database. The observed variant frequency within Non-Finnish European control individuals in the gnomAD database is approximately 64-fold the estimated maximal expected allele frequency for a pathogenic variant in MAP2K1 causing Noonan Syndrome And Related Conditions phenotype (2.5e-06), strongly suggesting that the variant is a benign polymorphism found primarily in populations of Non-Finnish European origin. To our knowledge, no occurrence of c.439-19C>A in individuals affected with Noonan Syndrome And Related Conditions and no experimental evidence demonstrating its impact on protein function have been reported. One clinical diagnostic laboratory has submitted clinical-significance assessments for this variant to ClinVar after 2014 without evidence for independent evaluation and cited the variant as likely benign. Based on the evidence outlined above, the variant was classified as benign.

GeneDx
Classification: Likely benign. Last evaluated: 2017-06-29. Review status: criteria provided, single submitter. Criteria: GeneDx Variant Classification (06012015). Collection method: clinical testing. Allele origin: germline. Affected: yes.
Comment: This variant is considered likely benign or benign based on one or more of the following criteria: it is a conservative change, it occurs at a poorly conserved position in the protein, it is predicted to be benign by multiple in silico algorithms, and/or has population frequency not consistent with disease.

Breakthrough Genomics
Classification: Likely benign. Review status: criteria provided, single submitter. Criteria: ACMG Guidelines, 2015. Collection method: not provided. Allele origin: germline. Inheritance: Autosomal dominant inheritance. Affected: yes.